The following is an entry in ClinVar:

ClinVar aggregate classification (germline): Uncertain significance (1 of 4 stars; one submission).

Conditions:
Megalencephaly-polymicrogyria-polydactyly-hydrocephalus syndrome 1 (MPPH1). Also called: MEGALENCEPHALY, MEGA CORPUS CALLOSUM, AND COMPLETE LACK OF MOTOR DEVELOPMENT; MEGALENCEPHALY, POLYMICROGYRIA, MEGA CORPUS CALLOSUM SYNDROME. Identifiers: Orphanet 83473, MedGen C4012727, MONDO:0011313, OMIM 603387.

Allele frequency attached by ClinVar (database versions not stated): gnomAD exomes 0.00001 and 0.00003; ExAC 0.00002; gnomAD 0.00002; TOPMed 0.00003.
gnomAD v4.1: 17 of 1,613,880 alleles (0.0011%); highest among the groups gnomAD compares: Admixed American, 0.013%; no homozygotes.

Submission:

Labcorp Genetics (formerly Invitae), Labcorp
Classification: Uncertain significance for Megalencephaly-polymicrogyria-polydactyly-hydrocephalus syndrome 1. Last evaluated: 2023-10-28. Review status: criteria provided, single submitter. Criteria: Invitae Variant Classification Sherloc (09022015). Collection method: clinical testing. Allele origin: germline.
Comment: This sequence change replaces glutamine, which is neutral and polar, with glutamic acid, which is acidic and polar, at codon 430 of the PIK3R2 protein (p.Gln430Glu). This variant is present in population databases (rs754971694, gnomAD 0.02%). This variant has not been reported in the literature in individuals affected with PIK3R2-related conditions. ClinVar contains an entry for this variant (Variation ID: 640307). An algorithm developed to predict the effect of missense changes on protein structure and function (PolyPhen-2) suggests that this variant¬†is likely to be tolerated. In summary, the available evidence is currently insufficient to determine the role of this variant in disease. Therefore, it has been classified as a Variant of Uncertain Significance.

NM_005027.4(PIK3R2):c.1288C>G (p.Gln430Glu)

Gene: PIK3R2 (phosphoinositide-3-kinase regulatory subunit 2; plus strand). Cytogenetic location: 19p13.11.
Variant type: single nucleotide variant.
Coding change: c.1288C>G on transcript NM_005027.4 (MANE Select); coding-DNA position 1288, C replaced by G.
Protein change: p.Gln430Glu; replaces glutamine 430 with glutamic acid.
Molecular consequence: missense variant. On other transcripts: non-coding transcript variant (2).
Genome position (GRCh38, 1-based): chr19:18,163,145, C>G. VCF-style: chr19-18163145-C-G. GRCh37 (hg19) VCF-style: chr19-18273955-C-G.
Other names: c.1288C>G, p.Gln430Glu (LRG_1392t1); short protein forms Q430E.
Identifiers: ClinVar variation 640307 (VCV000640307.9), dbSNP rs754971694, ClinGen allele CA9306964.